The following is an entry in ClinVar:

NM_001367561.1(DOCK7):c.3937-686_4597del

Gene: DOCK7 (dedicator of cytokinesis 7; minus strand). Cytogenetic location: 1p31.3.
Variant type: Deletion.
Coding change: c.3937-686_4597del on transcript NM_001367561.1 (MANE Select); 686 bases into the intron before coding-DNA position 3937 through coding-DNA position 4597, 8,889 bases deleted.
Molecular consequence: splice acceptor variant, splice donor variant.
Genome position (GRCh38, 1-based): chr1:62,505,696-62,514,584, 8,889 bases deleted. GRCh37 (hg19): chr1:62,971,370-62,980,258.
Other names: c.3844-686_4477del (NM_001272001.2, NM_001272000.2); c.3844-686_4504del (NM_033407.4); c.3937-686_4570del (NM_001271999.2, NM_001330614.2).
Identifiers: ClinVar variation 580298 (VCV000580298.1), ClinGen allele CA891842443.

ClinVar aggregate classification (germline): Pathogenic (1 of 4 stars; one submission).

Conditions:
Developmental and epileptic encephalopathy, 23 (DEE23). Also called: Epileptic encephalopathy, early infantile, 23. Identifiers: Orphanet 411986, MedGen C4014492, MONDO:0014371, OMIM 615859.

Submission:

Labcorp Genetics (formerly Invitae), Labcorp
Classification: Pathogenic for Epileptic encephalopathy, early infantile, 23. Last evaluated: 2018-05-01. Review status: criteria provided, single submitter. Criteria: Invitae Variant Classification Sherloc (09022015). Collection method: clinical testing. Allele origin: germline.
Comment: This variant is a gross deletion of the genomic region encompassing exons 32-35 and the first 120 nucleotides of exon 36 of the DOCK7 gene, including the intron 31-exon 36 boundary (c.3937-686_4570del). This is expected to create a premature translational stop signal and result in an absent or disrupted protein product. This variant has not been reported in the literature in individuals with DOCK7-related disease. Loss-of-function variants in DOCK7 are known to be pathogenic (PMID: 24814191). For these reasons, this variant has been classified as Pathogenic.